The following is an entry in ClinVar:

NM_004655.4(AXIN2):c.1907+4A>C

Gene: AXIN2 (axin 2; minus strand). Cytogenetic location: 17q24.1.
Variant type: single nucleotide variant.
Coding change: c.1907+4A>C on transcript NM_004655.4 (MANE Select); 4 bases into the intron after coding-DNA position 1907, A replaced by C.
Molecular consequence: intron variant.
Genome position (GRCh38, 1-based): chr17:65,536,865, T>G on the plus strand (A>C on the coding strand, the complement: AXIN2 is on the minus strand). VCF-style: chr17-65536865-T-G. GRCh37 (hg19) VCF-style: chr17-63532983-T-G.
Other names: c.1713-312A>C (NM_001363813.1).
Identifiers: ClinVar variation 2586377 (VCV002586377.2), dbSNP rs2509406407, ClinGen allele CA2582342304.
Genomic context (GRCh38, chr17:65,536,865, plus strand): 5'-CACAATACCTCCGTACTGAGTGCCCATGACCCTCGCGGCCGCGGCGGCGGCAAGCGGTGT[T>G]TACCTATGGGGCTTGGGCTTGCTCTGCCGCTCACTCTCCAGCATCCACTGCCAGACATCC-3'

ClinVar aggregate classification (germline): Uncertain significance (1 of 4 stars; one submission).

Conditions:
Hereditary cancer-predisposing syndrome. Also called: Hereditary neoplastic syndrome; Tumor predisposition; Hereditary Cancer Syndrome; Neoplastic Syndromes, Hereditary. Identifiers: Orphanet 140162, MedGen C0027672, MeSH D009386, MONDO:0015356.

Submission:

Ambry Genetics
Classification: Uncertain significance for Hereditary cancer-predisposing syndrome. Last evaluated: 2023-09-14. Review status: criteria provided, single submitter. Criteria: Ambry Variant Classification Scheme 2023. Collection method: clinical testing. Allele origin: germline.
Comment: The c.1907+4A>C intronic variant results from an A to C substitution 4 nucleotides after coding exon 6 in the AXIN2 gene. This nucleotide position is not well conserved in available vertebrate species. In silico splice site analysis for this alteration is inconclusive; however, direct evidence is insufficient at this time (Ambry internal data). Since supporting evidence is limited at this time, the clinical significance of this alteration remains unclear.